The following is an entry in ClinVar:

ClinVar aggregate classification (germline): Uncertain significance (1 of 4 stars; one submission).

Conditions:
Familial thoracic aortic aneurysm and aortic dissection (TAAD). Also called: Thoracic aortic aneurysms and dissections. Identifiers: Orphanet 91387, MedGen C4707243, MONDO:0019625.

gnomAD v4.1: 47 of 1,607,086 alleles (0.0029%); highest among the groups gnomAD compares: Non-Finnish European, 0.0038%; no homozygotes.

Submission:

Ambry Genetics
Classification: Uncertain significance for Familial thoracic aortic aneurysm and aortic dissection. Last evaluated: 2022-04-18. Review status: criteria provided, single submitter. Criteria: Ambry Variant Classification Scheme 2023. Collection method: clinical testing. Allele origin: germline.
Comment: The p.I598V variant (also known as c.1792A>G), located in coding exon 15 of the PRKG1 gene, results from an A to G substitution at nucleotide position 1792. The isoleucine at codon 598 is replaced by valine, an amino acid with highly similar properties. This amino acid position is highly conserved in available vertebrate species. In addition, this alteration is predicted to be tolerated by in silico analysis. Since supporting evidence is limited at this time, the clinical significance of this alteration remains unclear.

NM_006258.4(PRKG1):c.1792A>G (p.Ile598Val)

Gene: PRKG1 (protein kinase cGMP-dependent 1; plus strand). Cytogenetic location: 10q21.1.
Variant type: single nucleotide variant.
Coding change: c.1792A>G on transcript NM_006258.4 (MANE Select); coding-DNA position 1792, A replaced by G.
Protein change: p.Ile598Val; replaces isoleucine 598 with valine.
Molecular consequence: missense variant.
Genome position (GRCh38, 1-based): chr10:52,288,808, A>G. VCF-style: chr10-52288808-A-G. GRCh37 (hg19) VCF-style: chr10-54048568-A-G.
Other names: c.1747A>G, p.Ile583Val (NM_001098512.3); c.583A>G, p.Ile195Val (NM_001374781.1); short protein forms I195V, I583V, I598V.
Identifiers: ClinVar variation 1780205 (VCV001780205.2), dbSNP rs750349497, ClinGen allele CA5503935.